The following is an entry in ClinVar:

ClinVar aggregate classification (germline): Pathogenic (1 of 4 stars; one submission).

Conditions:
Hereditary factor XI deficiency disease. Also called: PLASMA THROMBOPLASTIN ANTECEDENT DEFICIENCY; PTA DEFICIENCY; ROSENTHAL SYNDROME; Congenital factor XI deficiency. Identifiers: Orphanet 329, MedGen C0015523, MeSH D005173, MONDO:0012897, OMIM 612416.

Submission:

Myriad Genetics, Inc.
Classification: Pathogenic for Hereditary factor XI deficiency disease. Last evaluated: 2024-05-14. Review status: criteria provided, single submitter. Criteria: Myriad Autosomal Dominant, Autosomal Recessive and X-Linked Classification Criteria (2023). Collection method: clinical testing. Allele origin: unknown.
Comment: NM_000128.3(F11):c.1363A>T(K455*) is expected to be pathogenic in the context of factor XI deficiency. This variant is predicted to lead to an abnormal or absent protein product due to the creation of a premature termination codon in F11, a gene where loss-of-function variants are known to be pathogenic. Please note: this variant was assessed in the context of healthy population screening.

NM_000128.4(F11):c.1363A>T (p.Lys455Ter)

Gene: F11 (coagulation factor XI; plus strand). Cytogenetic location: 4q35.2.
Variant type: single nucleotide variant.
Coding change: c.1363A>T on transcript NM_000128.4 (MANE Select); coding-DNA position 1363, A replaced by T.
Protein change: p.Lys455Ter; replaces lysine 455 with a stop codon.
Molecular consequence: nonsense.
Genome position (GRCh38, 1-based): chr4:186,285,696, A>T. VCF-style: chr4-186285696-A-T. GRCh37 (hg19) VCF-style: chr4-187206850-A-T.
Other names: c.1315A>T, p.Lys439Ter (NM_001440590.1, NM_001440596.1); c.1363A>T, p.Lys455Ter (NM_001440593.1); c.1093A>T, p.Lys365Ter (NM_001440605.1, NM_001440607.1); c.1045A>T, p.Lys349Ter (NM_001440606.1, NM_001440608.1); short protein forms K349*, K365*, K439*, K455*.
Identifiers: ClinVar variation 5013102 (VCV005013102.1).